The following is an entry in ClinVar:

NM_000218.3(KCNQ1):c.745_754del (p.Arg249fs)

Gene: KCNQ1 (potassium voltage-gated channel subfamily Q member 1; plus strand). Cytogenetic location: 11p15.5.
Variant type: Deletion.
Coding change: c.745_754del on transcript NM_000218.3 (MANE Select); coding-DNA positions 745 to 754, 10 bases deleted (AGGCTCCTGG; older notation c.745_754delAGGCTCCTGG).
Protein change: p.Arg249fs; shifts the reading frame from arginine 249.
Molecular consequence: frameshift variant.
Genome position (GRCh38, 1-based): chr11:2,572,074-2,572,083, AGGCTCCTGG deleted; deleting any 10 consecutive bases within chr11:2,572,069-2,572,083 gives the same sequence; the c. name uses the placement nearest the transcript's 3' end. VCF-style (leftmost placement, unchanged base first): chr11-2572068-ACCTGGAGGCT-A. GRCh37 (hg19) VCF-style: chr11-2593298-ACCTGGAGGCT-A.
Other names: c.745_754del10 (NM_000218.2); c.745_754delAGGCTCCTGG, p.Arg249Alafs (NM_000218.2, NM_001406836.1); c.475_484delAGGCTCCTGG, p.Arg159Alafs (NM_001406837.1); c.364_373delAGGCTCCTGG, p.Arg122Alafs (NM_181798.2); short protein forms R122fs, R249fs.
Identifiers: ClinVar variation 405262 (VCV000405262.16), dbSNP rs1060500626, ClinGen allele CA16613509.

ClinVar aggregate classification (germline): Pathogenic. Review status: criteria provided, multiple submitters, no conflicts (2 of 4 stars). 3 submissions from 3 submitters: Pathogenic (3). Last evaluated 2024-03-08.

Conditions:
Long QT syndrome (LQTS). Identifiers: MedGen C0023976, MeSH D008133, MONDO:0002442. Disease mechanism: loss of function. Inheritance: Various modes of inheritance.
Cardiovascular phenotype. Identifiers: MedGen CN230736.
Long QT syndrome 1 (LQT1). Identifiers: Orphanet 101016, Orphanet 768, MedGen C4551647, MONDO:0100316, OMIM 192500, MONDO:0008646.

Submissions (3):

Ambry Genetics
Classification: Pathogenic for Cardiovascular phenotype. Last evaluated: 2024-03-08. Review status: criteria provided, single submitter. Criteria: Ambry Variant Classification Scheme 2023. Collection method: clinical testing. Allele origin: germline.
Comment: The c.745_754del10 pathogenic mutation, located in coding exon 5 of the KCNQ1 gene, results from a deletion of 10 nucleotides at nucleotide positions 745 to 754, causing a translational frameshift with a predicted alternate stop codon (p.R249Afs*11). This variant is considered to be rare based on population cohorts in the Genome Aggregation Database (gnomAD). This alteration is expected to result in loss of function by premature protein truncation or nonsense-mediated mRNA decay. As such, this alteration is interpreted as a disease-causing mutation.

Molecular Genetics Laboratory - Cardiogenetics, CHU de Nantes
Classification: Pathogenic for Long QT syndrome 1. Last evaluated: 2023-08-01. Review status: criteria provided, single submitter. Criteria: ACMG Guidelines, 2015. Collection method: clinical testing. Allele origin: germline. Affected: yes.

Labcorp Genetics (formerly Invitae), Labcorp
Classification: Pathogenic for Long QT syndrome. Last evaluated: 2019-06-27. Review status: criteria provided, single submitter. Criteria: Invitae Variant Classification Sherloc (09022015). Collection method: clinical testing. Allele origin: germline.
Comment: For these reasons, this variant has been classified as Pathogenic. Loss-of-function variants in KCNQ1 are known to be pathogenic (PMID: 9323054, 19862833). This variant is not present in population databases (ExAC no frequency). ClinVar contains an entry for this variant (Variation ID: 405262). This sequence change creates a premature translational stop signal (p.Arg249Alafs*11) in the KCNQ1 gene. It is expected to result in an absent or disrupted protein product.

Literature cited by the submitters: PubMed 9323054 (cited by Labcorp Genetics (formerly Invitae), Labcorp); PubMed 19862833 (cited by Labcorp Genetics (formerly Invitae), Labcorp).